The following is an entry in ClinVar:

ClinVar aggregate classification (germline): Uncertain significance (1 of 4 stars; one submission).

Conditions:
Specific granule deficiency. Identifiers: Orphanet 169142, MedGen C0398593, MONDO:0009506.

Allele frequency attached by ClinVar (database versions not stated): TOPMed below 0.00001.

Submission:

Labcorp Genetics (formerly Invitae), Labcorp
Classification: Uncertain significance for Specific granule deficiency. Last evaluated: 2025-10-22. Review status: criteria provided, single submitter. Criteria: Invitae Variant Classification Sherloc (09022015). Collection method: clinical testing. Allele origin: germline.
Comment: This sequence change replaces aspartic acid, which is acidic and polar, with asparagine, which is neutral and polar, at codon 114 of the CEBPE protein (p.Asp114Asn). This variant is not present in population databases (gnomAD no frequency). This variant has not been reported in the literature in individuals affected with CEBPE-related conditions. ClinVar contains an entry for this variant (Variation ID: 1446365). An algorithm developed to predict the effect of missense changes on protein structure and function (PolyPhen-2) suggests that this variant is likely to be tolerated. In summary, the available evidence is currently insufficient to determine the role of this variant in disease. Therefore, it has been classified as a Variant of Uncertain Significance.

NM_001805.4(CEBPE):c.340G>A (p.Asp114Asn)

Gene: CEBPE (CCAAT enhancer binding protein epsilon; minus strand). Cytogenetic location: 14q11.2.
Variant type: single nucleotide variant.
Coding change: c.340G>A on transcript NM_001805.4 (MANE Select); coding-DNA position 340, G replaced by A.
Protein change: p.Asp114Asn; replaces aspartic acid 114 with asparagine.
Molecular consequence: missense variant.
Genome position (GRCh38, 1-based): chr14:23,118,752, C>T on the plus strand (G>A on the coding strand, the complement: CEBPE is on the minus strand). VCF-style: chr14-23118752-C-T. GRCh37 (hg19) VCF-style: chr14-23587961-C-T.
Other names: short protein forms D114N.
Identifiers: ClinVar variation 1446365 (VCV001446365.6), dbSNP rs2048522694, ClinGen allele CA388953248.